The following is an entry in ClinVar:

NM_032043.3(BRIP1):c.2445_2446insGTCTTCTACC (p.Trp816fs)

Gene: BRIP1 (BRCA1 interacting DNA helicase 1; minus strand). Cytogenetic location: 17q23.2.
Variant type: Insertion.
Coding change: c.2445_2446insGTCTTCTACC on transcript NM_032043.3 (MANE Select); coding-DNA positions 2445 to 2446, GTCTTCTACC inserted.
Protein change: p.Trp816fs; shifts the reading frame from tryptophan 816.
Molecular consequence: frameshift variant.
Genome position: GRCh38 VCF-style: chr17-61715997-A-AGGTAGAAGAC. GRCh37 (hg19) VCF-style: chr17-59793358-A-AGGTAGAAGAC.
Other names: short protein forms W816fs.
Identifiers: ClinVar variation 1375173 (VCV001375173.2), dbSNP rs2144381014, ClinGen allele CA2573154272.

ClinVar aggregate classification (germline): Pathogenic (1 of 4 stars; one submission).

Conditions:
Fanconi anemia complementation group J. Also called: BRIP1-Related Fanconi Anemia. Identifiers: Orphanet 84, MedGen C1836860, MONDO:0012187, OMIM 609054.
Familial cancer of breast. Also called: Hereditary breast cancer; BREAST CANCER, FAMILIAL; hereditary breast carcinoma. Identifiers: Orphanet 227535, MedGen C0346153, MONDO:0016419, OMIM 114480. Disease mechanism: loss of function.

Submission:

Labcorp Genetics (formerly Invitae), Labcorp
Classification: Pathogenic for Familial cancer of breast; Fanconi anemia complementation group J. Last evaluated: 2021-11-12. Review status: criteria provided, single submitter. Criteria: Invitae Variant Classification Sherloc (09022015). Collection method: clinical testing. Allele origin: germline.
Comment: This sequence change creates a premature translational stop signal (p.Trp816Valfs*15) in the BRIP1 gene. It is expected to result in an absent or disrupted protein product. Loss-of-function variants in BRIP1 are known to be pathogenic (PMID: 16116423, 17033622, 21964575). This variant is not present in population databases (gnomAD no frequency). This variant has not been reported in the literature in individuals affected with BRIP1-related conditions. Algorithms developed to predict the effect of sequence changes on RNA splicing suggest that this variant may create or strengthen a splice site. For these reasons, this variant has been classified as Pathogenic.

Literature cited by the submitters: PubMed 16116423; PubMed 17033622; PubMed 21964575.